The following is an entry in ClinVar:

ClinVar aggregate classification (germline): Uncertain significance. Review status: criteria provided, multiple submitters, no conflicts (2 of 4 stars). 2 submissions from 2 submitters: Uncertain significance (2). Last evaluated 2024-01-04.

Conditions:
Inborn genetic diseases. Identifiers: MedGen C0950123, MeSH D030342.

Allele frequency attached by ClinVar (database versions not stated): gnomAD 0.00001; gnomAD exomes 0.00003; TOPMed 0.00003; ExAC 0.00012.
gnomAD v4.1: 51 of 1,613,882 alleles (0.0032%); highest among the groups gnomAD compares: South Asian, 0.026%; 1 homozygote.

Submissions (2):

Ambry Genetics
Classification: Uncertain significance for Inborn genetic diseases. Last evaluated: 2024-01-04. Review status: criteria provided, single submitter. Criteria: Ambry Variant Classification Scheme 2023. Collection method: clinical testing. Allele origin: germline.

Labcorp Genetics (formerly Invitae), Labcorp
Classification: Uncertain significance. Last evaluated: 2023-05-08. Review status: criteria provided, single submitter. Criteria: Invitae Variant Classification Sherloc (09022015). Collection method: clinical testing. Allele origin: germline.
Comment: ClinVar contains an entry for this variant (Variation ID: 2171057). In summary, the available evidence is currently insufficient to determine the role of this variant in disease. Therefore, it has been classified as a Variant of Uncertain Significance. Advanced modeling of protein sequence and biophysical properties (such as structural, functional, and spatial information, amino acid conservation, physicochemical variation, residue mobility, and thermodynamic stability) performed at Invitae indicates that this missense variant is not expected to disrupt GNRHR protein function. This variant has not been reported in the literature in individuals affected with GNRHR-related conditions. This variant is present in population databases (rs770615070, gnomAD 0.04%). This sequence change replaces alanine, which is neutral and non-polar, with valine, which is neutral and non-polar, at codon 127 of the GNRHR protein (p.Ala127Val).

NM_000406.3(GNRHR):c.380C>T (p.Ala127Val)

Gene: GNRHR (gonadotropin releasing hormone receptor; minus strand). Cytogenetic location: 4q13.2.
Variant type: single nucleotide variant.
Coding change: c.380C>T on transcript NM_000406.3 (MANE Select); coding-DNA position 380, C replaced by T.
Protein change: p.Ala127Val; replaces alanine 127 with valine.
Molecular consequence: missense variant.
Genome position (GRCh38, 1-based): chr4:67,753,956, G>A on the plus strand (C>T on the coding strand, the complement: GNRHR is on the minus strand). VCF-style: chr4-67753956-G-A. GRCh37 (hg19) VCF-style: chr4-68619674-G-A.
Other names: c.380C>T (NM_000406.2); c.380C>T, p.Ala127Val (NM_001012763.2); short protein forms A127V.
Identifiers: ClinVar variation 2171057 (VCV002171057.5), dbSNP rs770615070, ClinGen allele CA2938952.